The following is an entry in ClinVar:

NM_030937.6(CCNL2):c.981G>A (p.Ser327=)

Gene: CCNL2 (cyclin L2; minus strand). Cytogenetic location: 1p36.33.
Variant type: single nucleotide variant.
Coding change: c.981G>A on transcript NM_030937.6 (MANE Select); coding-DNA position 981, G replaced by A.
Protein change: p.Ser327=; no amino-acid change (serine 327 retained).
Molecular consequence: synonymous variant. On other transcripts: non-coding transcript variant (3).
Genome position (GRCh38, 1-based): chr1:1,390,255, C>T on the plus strand (G>A on the coding strand, the complement: CCNL2 is on the minus strand). VCF-style: chr1-1390255-C-T. GRCh37 (hg19) VCF-style: chr1-1325635-C-T.
Other names: c.315G>A, p.Ser105= (NM_001320153.3, NM_001320155.3, NM_001350497.2 and 1 more transcripts); c.588G>A, p.Ser196= (NM_001350499.2, NM_001350500.2).
Identifiers: ClinVar variation 3060913 (VCV003060913.2), dbSNP rs367995434, ClinGen allele CA521991.

ClinVar aggregate classification (germline): Likely benign (0 of 4 stars; one submission).

Conditions:
CCNL2-related disorder. Also called: CCNL2-related condition.

Allele frequency attached by ClinVar (database versions not stated): gnomAD exomes 0.00004; ESP Exome Variant Server 0.00015; TOPMed 0.00020; ExAC 0.00007; gnomAD 0.00015.
gnomAD v4.1: 83 of 1,611,870 alleles (0.0051%); highest among the groups gnomAD compares: African/African-American, 0.063%; 1 homozygote.

Submission:

PreventionGenetics, part of Exact Sciences
Classification: Likely benign for CCNL2-related condition. Last evaluated: 2019-02-20. Review status: no assertion criteria provided. Collection method: clinical testing. Allele origin: germline.
Comment: This variant is classified as likely benign based on ACMG/AMP sequence variant interpretation guidelines (Richards et al. 2015 PMID: 25741868, with internal and published modifications).